The following is an entry in ClinVar:

ClinVar aggregate classification (germline): Pathogenic/Likely pathogenic. Review status: criteria provided, multiple submitters, no conflicts (2 of 4 stars). 2 submissions from 2 submitters: Pathogenic (1); Likely pathogenic (1). Last evaluated 2025-05-27.

Conditions:
TSC1-related disorder. Also called: TSC1-related condition.
Tuberous sclerosis 1 (TSC1). Identifiers: Orphanet 805, MedGen C1854465, MONDO:0008612, OMIM 191100.

Submissions (2):

PreventionGenetics, part of Exact Sciences
Classification: Pathogenic for TSC1-related condition. Last evaluated: 2025-05-27. Review status: criteria provided, single submitter. Criteria: ACMG Guidelines, 2015. Collection method: clinical testing. Allele origin: germline.
Comment: The TSC1 c.378_380delCGT variant is predicted to result in an in-frame deletion (p.Val128del). This variant was reported in two individuals with tuberous sclerosis complex (Supp. Table 1, described as c.378_380del, p.126_127del, Meng et al. 2021. PubMed ID: 32917966). A different in-frame deletion predicted to cause the same protein affect (p.Val128del) has been reported in multiple individuals with tuberous sclerosis complex (Nellist et al. 2008. PubMed ID: 18830229; Supp. Table S1, Hoogeveen-Westerveld et al. 2011. PubMed ID: 21309039). This variant has not been reported in a large population database (gnomAD), indicating it is rare. This variant is interpreted as pathogenic.

Labcorp Genetics (formerly Invitae), Labcorp
Classification: Likely pathogenic for Tuberous sclerosis 1. Last evaluated: 2021-12-22. Review status: criteria provided, single submitter. Criteria: Invitae Variant Classification Sherloc (09022015). Collection method: clinical testing. Allele origin: germline.
Comment: This variant, c.378_380del, results in the deletion of 1 amino acid(s) of the TSC1 protein (p.Val128del), but otherwise preserves the integrity of the reading frame. This variant is not present in population databases (gnomAD no frequency). A different variant (c.381_383del ) giving rise to the same protein effect has been determined to be pathogenic (PMID: 18830229, 21309039; Invitae). This suggests that this variant is also likely to be causative of disease. In summary, the currently available evidence indicates that the variant is pathogenic, but additional data are needed to prove that conclusively. Therefore, this variant has been classified as Likely Pathogenic.

Literature cited by the submitters: PubMed 18830229 (cited by Labcorp Genetics (formerly Invitae), Labcorp); PubMed 21309039 (cited by Labcorp Genetics (formerly Invitae), Labcorp).

NM_000368.5(TSC1):c.375CGT[1] (p.Val128del)

Gene: TSC1 (TSC complex subunit 1; minus strand). Cytogenetic location: 9q34.13.
Variant type: Microsatellite.
Coding change: c.375CGT[1] on transcript NM_000368.5 (MANE Select); one copy of the 3-base unit CGT starting at c.375; the reference has two copies in a row; one copy, 3 bases deleted.
Protein change: p.Val128del; deletes valine 128.
Molecular consequence: inframe deletion. On other transcripts: inframe indel (35).
Genome position (GRCh38, 1-based): chr9:132,923,476-132,923,478, ACG deleted on the plus strand (CGT on the coding strand, the reverse complement: TSC1 is on the minus strand); deleting any 3 consecutive bases within chr9:132,923,476-132,923,481 gives the same sequence; the position shown is the placement nearest the transcript's 3' end. VCF-style (leftmost placement, unchanged base first): chr9-132923475-AACG-A. GRCh37 (hg19) VCF-style: chr9-135798862-AACG-A.
Other names: c.375_377CGT[1], p.Val128del (NM_000368.4, NM_001406592.1, NM_001406593.1 and 16 more transcripts); c.375CGT[1], p.Val128del (NM_001162426.2); c.222CGT[1], p.Val77del (NM_001162427.2); c.12CGT[1], p.Val7del (NM_001362177.2); c.222_224CGT[1], p.Val77del (NM_001406613.1, NM_001406610.1, NM_001406611.1 and 1 more transcripts); c.12_14CGT[1], p.Val7del (NM_001406614.1, NM_001406615.1, NM_001406616.1 and 9 more transcripts); c.378_380delCGT (NM_000368.4); c.-503_-501CGT[1] (NM_001406626.1, NM_001406627.1, NM_001406628.1); and 2 more; short protein forms V128del, V77del, V7del.
Identifiers: ClinVar variation 2053640 (VCV002053640.5), dbSNP rs2539042877, ClinGen allele CA2580617127.